The following is an entry in ClinVar:

ClinVar aggregate classification (germline): Likely benign. Review status: criteria provided, multiple submitters, no conflicts (2 of 4 stars). 3 submissions from 3 submitters: Likely benign (3). Last evaluated 2025-03-06.

Conditions:
Charcot-Marie-Tooth disease type 2. Also called: Charcot-Marie-Tooth type 2. Identifiers: Orphanet 64746, MedGen C0270914, MONDO:0018993.
MFN2-related disorder. Also called: MFN2-related condition; MFN2-related disorders.

Allele frequency attached by ClinVar (database versions not stated): gnomAD 0.00003 and 0.00004; gnomAD exomes 0.00005 and 0.00008; TOPMed 0.00006; ExAC 0.00012.
gnomAD v4.1: 76 of 1,614,016 alleles (0.0047%); highest among the groups gnomAD compares: East Asian, 0.027%; no homozygotes.

Submissions (3):

PreventionGenetics, part of Exact Sciences
Classification: Likely benign for MFN2-related condition. Last evaluated: 2025-03-06. Review status: criteria provided, single submitter. Criteria: ACMG Guidelines, 2015. Collection method: clinical testing. Allele origin: germline.
Comment: This variant is classified as likely benign based on ACMG/AMP sequence variant interpretation guidelines (Richards et al. 2015 PMID: 25741868, with internal and published modifications).

Labcorp Genetics (formerly Invitae), Labcorp
Classification: Likely benign for Charcot-Marie-Tooth disease type 2. Last evaluated: 2025-02-03. Review status: criteria provided, single submitter. Criteria: Invitae Variant Classification Sherloc (09022015). Collection method: clinical testing. Allele origin: germline.

Blueprint Genetics
Classification: Likely benign. Last evaluated: 2024-11-20. Review status: criteria provided, single submitter. Criteria: ACMG Guidelines, 2015. Collection method: clinical testing. Allele origin: germline.

NM_014874.4(MFN2):c.231C>T (p.Asp77=)

Gene: MFN2 (mitofusin 2; plus strand). Cytogenetic location: 1p36.22.
Variant type: single nucleotide variant.
Coding change: c.231C>T on transcript NM_014874.4 (MANE Select); coding-DNA position 231, C replaced by T.
Protein change: p.Asp77=; no amino-acid change (aspartic acid 77 retained).
Molecular consequence: synonymous variant.
Genome position (GRCh38, 1-based): chr1:11,992,610, C>T. VCF-style: chr1-11992610-C-T. GRCh37 (hg19) VCF-style: chr1-12052667-C-T.
Other names: c.231C>T, p.Asp77= (NM_001127660.2).
Identifiers: ClinVar variation 705366 (VCV000705366.10), dbSNP rs763489927, ClinGen allele CA598779.
Genomic context (GRCh38, chr1:11,992,610, plus strand): 5'-TCCAGACACGTACAGGAATGCAGAACTGGACCCCGTTACCACAGAAGAACAGGTTCTGGA[C>T]GTCAAAGGTTACCTATCCAAAGTGAGAGGCATCAGTGAGGTGCTGGCTCGGAGGCACATG-3'
Protein context (NP_055689.1, residues 67-87): DPVTTEEQVL[Asp77=]VKGYLSKVRG